The following is an entry in ClinVar:

ClinVar aggregate classification (germline): Uncertain significance. Review status: criteria provided, multiple submitters, no conflicts (2 of 4 stars). 2 submissions from 2 submitters: Uncertain significance (2). Last evaluated 2025-06-25.

Conditions:
Hereditary cancer-predisposing syndrome. Also called: Neoplastic Syndromes, Hereditary; Hereditary neoplastic syndrome; Tumor predisposition; Hereditary Cancer Syndrome. Identifiers: Orphanet 140162, MedGen C0027672, MeSH D009386, MONDO:0015356.

Submissions (2):

Ambry Genetics
Classification: Uncertain significance for Hereditary cancer-predisposing syndrome. Last evaluated: 2025-06-25. Review status: criteria provided, single submitter. Criteria: Ambry Variant Classification Scheme 2023. Collection method: clinical testing. Allele origin: germline.
Comment: The p.E912Q variant (also known as c.2734G>C), located in coding exon 24 of the POLE gene, results from a G to C substitution at nucleotide position 2734. The glutamic acid at codon 912 is replaced by glutamine, an amino acid with highly similar properties. This amino acid position is conserved. In addition, this alteration is predicted to be tolerated by in silico analysis. Since supporting evidence is limited at this time, the clinical significance of this alteration remains unclear.

Labcorp Genetics (formerly Invitae), Labcorp
Classification: Uncertain significance. Last evaluated: 2023-07-28. Review status: criteria provided, single submitter. Criteria: Invitae Variant Classification Sherloc (09022015). Collection method: clinical testing. Allele origin: germline.
Comment: In summary, the available evidence is currently insufficient to determine the role of this variant in disease. Therefore, it has been classified as a Variant of Uncertain Significance. Advanced modeling of protein sequence and biophysical properties (such as structural, functional, and spatial information, amino acid conservation, physicochemical variation, residue mobility, and thermodynamic stability) performed at Invitae indicates that this missense variant is not expected to disrupt POLE protein function. ClinVar contains an entry for this variant (Variation ID: 1396253). This variant has not been reported in the literature in individuals affected with POLE-related conditions. This variant is not present in population databases (gnomAD no frequency). This sequence change replaces glutamic acid, which is acidic and polar, with glutamine, which is neutral and polar, at codon 912 of the POLE protein (p.Glu912Gln).

NM_006231.4(POLE):c.2734G>C (p.Glu912Gln)

Gene: POLE (DNA polymerase epsilon, catalytic subunit; minus strand). Cytogenetic location: 12q24.33.
Variant type: single nucleotide variant.
Coding change: c.2734G>C on transcript NM_006231.4 (MANE Select); coding-DNA position 2734, G replaced by C.
Protein change: p.Glu912Gln; replaces glutamic acid 912 with glutamine.
Molecular consequence: missense variant.
Genome position (GRCh38, 1-based): chr12:132,661,657, C>G on the plus strand (G>C on the coding strand, the complement: POLE is on the minus strand). VCF-style: chr12-132661657-C-G. GRCh37 (hg19) VCF-style: chr12-133238243-C-G.
Other names: c.2734G>C (NM_006231.2); short protein forms E912Q.
Identifiers: ClinVar variation 1396253 (VCV001396253.8), dbSNP rs2135949444, ClinGen allele CA387393979.